The following is an entry in ClinVar:

NM_015178.3(RHOBTB2):c.1731A>G (p.Leu577=)

Gene: RHOBTB2 (Rho related BTB domain containing 2; plus strand). Cytogenetic location: 8p21.3.
Variant type: single nucleotide variant.
Coding change: c.1731A>G on transcript NM_015178.3 (MANE Select); coding-DNA position 1731, A replaced by G.
Protein change: p.Leu577=; no amino-acid change (leucine 577 retained).
Molecular consequence: synonymous variant.
Genome position (GRCh38, 1-based): chr8:23,010,648, A>G. VCF-style: chr8-23010648-A-G. GRCh37 (hg19) VCF-style: chr8-22868161-A-G.
Other names: c.1797A>G, p.Leu599= (NM_001160036.2); c.1752A>G, p.Leu584= (NM_001160037.2); c.1731A>G, p.Leu577= (NM_001374791.1).
Identifiers: ClinVar variation 4873126 (VCV004873126.2).

ClinVar aggregate classification (germline): Likely benign (1 of 4 stars; one submission).

Submission:

CeGaT Center for Human Genetics Tuebingen
Classification: Likely benign. Last evaluated: 2026-05-01. Review status: criteria provided, single submitter. Criteria: CeGaT Center For Human Genetics Tuebingen Variant Classification Criteria Version 2. Collection method: clinical testing. Allele origin: germline. Affected: yes. Observed: 1 variant allele.
Comment: RHOBTB2: PM2:Supporting, BP4, BP7